The following is an entry in ClinVar:

ClinVar aggregate classification (germline): Uncertain significance (1 of 4 stars; one submission).

Submission:

GeneDx
Classification: Uncertain significance. Last evaluated: 2025-04-07. Review status: criteria provided, single submitter. Criteria: GeneDx Variant Classification Process June 2021. Collection method: clinical testing. Allele origin: germline. Affected: yes.
Comment: In silico analysis indicates that this missense variant does not alter protein structure/function; Has not been previously published as pathogenic or benign to our knowledge

NM_001365999.1(SZT2):c.196C>A (p.Pro66Thr)

Gene: SZT2 (SZT2 subunit of KICSTOR complex; plus strand). Cytogenetic location: 1p34.2.
Variant type: single nucleotide variant.
Coding change: c.196C>A on transcript NM_001365999.1 (MANE Select); coding-DNA position 196, C replaced by A.
Protein change: p.Pro66Thr; replaces proline 66 with threonine.
Molecular consequence: missense variant.
Genome position (GRCh38, 1-based): chr1:43,403,643, C>A. VCF-style: chr1-43403643-C-A. GRCh37 (hg19) VCF-style: chr1-43869314-C-A.
Other names: c.196C>A, p.Pro66Thr (NM_015284.4); short protein forms P66T.
Identifiers: ClinVar variation 4281730 (VCV004281730.1).